The following is an entry in ClinVar:

ClinVar aggregate classification (germline): Pathogenic (1 of 4 stars; one submission).

Conditions:
Charcot-Marie-Tooth disease axonal type 2V. Also called: CHARCOT-MARIE-TOOTH DISEASE, AXONAL, AUTOSOMAL DOMINANT, TYPE 2V; CHARCOT-MARIE-TOOTH NEUROPATHY, TYPE 2V. Identifiers: Orphanet 447964, MedGen C5569050, MONDO:0014665, OMIM 616491.
Mucopolysaccharidosis, MPS-III-B (MPS3B). Also called: N-ACETYL-ALPHA-D-GLUCOSAMINIDASE DEFICIENCY; NAGLU DEFICIENCY; SANFILIPPO SYNDROME B; MPS IIIB (Sanfilippo Syndrome Type B); MPS III B; Mucopolysaccharidosis type IIIB (Sanfilippo B). Identifiers: Orphanet 79270, MedGen C0086648, MONDO:0009656, OMIM 252920.

Submission:

Labcorp Genetics (formerly Invitae), Labcorp
Classification: Pathogenic for Charcot-Marie-Tooth disease axonal type 2V; Mucopolysaccharidosis, MPS-III-B. Last evaluated: 2022-06-02. Review status: criteria provided, single submitter. Criteria: Invitae Variant Classification Sherloc (09022015). Collection method: clinical testing. Allele origin: germline.
Comment: This variant has not been reported in the literature in individuals affected with NAGLU-related conditions. For these reasons, this variant has been classified as Pathogenic. This variant disrupts a region of the NAGLU protein in which other variant(s) (p.Tyr140Cys) have been determined to be pathogenic (PMID: 9443875, 9443878, 9950362, 11153910). This suggests that this is a clinically significant region of the protein, and that variants that disrupt it are likely to be disease-causing. This variant is a gross deletion of the genomic region encompassing exon(s) 2-4 of the NAGLU gene. This variant would be expected to be in-frame, preserving the integrity of the reading frame.

Literature cited by the submitters: PubMed 9443875; PubMed 9443878; PubMed 9950362; PubMed 11153910.

NC_000017.10:g.(?_40689396)_(40690793_?)del

Gene: NAGLU (N-acetyl-alpha-glucosaminidase; plus strand). Cytogenetic location: 17q21.2.
Variant type: Deletion.
Identifiers: ClinVar variation 2422708 (VCV002422708.4).